The following is an entry in ClinVar:

NM_000071.3(CBS):c.1223+117_1223+119delinsACTC

Gene: CBS (cystathionine beta-synthase; minus strand). Cytogenetic location: 21q22.3.
Variant type: Indel.
Coding change: c.1223+117_1223+119delinsACTC on transcript NM_000071.3 (MANE Select); bases 117 to 119 of the intron after coding-DNA position 1223, GGT replaced by ACTC.
Molecular consequence: intron variant.
Genome position (GRCh38, 1-based): chr21:43,059,107-43,059,109, ACC replaced by GAGT on the plus strand (GGT replaced by ACTC on the coding strand, the reverse complement: CBS is on the minus strand). VCF-style: chr21-43059107-ACC-GAGT. GRCh37 (hg19) VCF-style: chr21-44479217-ACC-GAGT.
Other names: c.1223+117_1223+119delinsACTC (NM_001320298.2, NM_001178009.3, NM_001178008.3); c.908+117_908+119delinsACTC (NM_001321072.1).
Identifiers: ClinVar variation 4994559 (VCV004994559.1).
Genomic context (GRCh38, chr21:43,059,107, plus strand): 5'-AGGCCACAGGGACCGCTCTCCTGCCTGTCACACTGGGCAGGGCCAGCACAGGCCACGGGG[ACC>GAGT]GCTCTCCTGCCTGTCACACTGGGCAGGGCCAGCACAGGCCACGGGGGAGTGCTCTCCTGC-3'

ClinVar aggregate classification (germline): Likely benign (1 of 4 stars; one submission).

Conditions:
CBS-related disorder. Also called: CBS-related condition.

Submission:

PreventionGenetics, part of Exact Sciences
Classification: Likely benign for CBS-related condition. Last evaluated: 2026-05-05. Review status: criteria provided, single submitter. Criteria: ACMG Guidelines, 2015. Collection method: clinical testing. Allele origin: germline.
Comment: This variant is classified as likely benign based on ACMG/AMP sequence variant interpretation guidelines (Richards et al. 2015 PMID: 25741868, with internal and published modifications).